The following is an entry in ClinVar:

NM_000465.4(BARD1):c.506_508dup (p.Ile169_Lys170insIle)

Gene: BARD1 (BRCA1 associated RING domain 1; minus strand). Cytogenetic location: 2q35.
Variant type: Duplication.
Coding change: c.506_508dup on transcript NM_000465.4 (MANE Select); coding-DNA positions 506 to 508, 3 bases duplicated (TAA; older notation c.506_508dupTAA).
Protein change: p.Ile169_Lys170insIle.
Molecular consequence: non-coding transcript variant (on NR_104212.2). On other transcripts: intron variant (3).
Genome position (GRCh38, 1-based): chr2:214,781,366-214,781,368, TTA duplicated on the plus strand (TAA on the coding strand, the reverse complement: BARD1 is on the minus strand); duplicating any 3 consecutive bases within chr2:214,781,366-214,781,370 gives the same sequence; the c. name uses the placement nearest the transcript's 3' end. VCF-style (leftmost placement, unchanged base first): chr2-214781365-T-TTTA. GRCh37 (hg19) VCF-style: chr2-215646089-T-TTTA.
Other names: c.449_451dup, p.Ile150_Lys151insIle (NM_001282543.2); c.158+28044_158+28046dup (NM_001282548.2); c.215+15693_215+15695dup (NM_001282545.2); c.364+10929_364+10931dup (NM_001282549.2).
Identifiers: ClinVar variation 3724973 (VCV003724973.2).
Genomic context (GRCh38, chr2:214,781,365, plus strand): 5'-TCTGCAGGAGGACTTGGGGAAACAAATTCATATGAGTCTTGCTGAGCACTTGCATCTTTT[T>TTTA]TTATTGCAGGCTGGGTTTGCACTGAAGCTTTACTCACAACATATCTGACTTTCTTACTTC-3'

ClinVar aggregate classification (germline): Uncertain significance (1 of 4 stars; one submission).

Conditions:
Familial cancer of breast. Also called: Hereditary breast cancer; BREAST CANCER, FAMILIAL; hereditary breast carcinoma. Identifiers: Orphanet 227535, MedGen C0346153, MONDO:0016419, OMIM 114480. Disease mechanism: loss of function.

Submission:

Labcorp Genetics (formerly Invitae), Labcorp
Classification: Uncertain significance for Familial cancer of breast. Last evaluated: 2024-11-11. Review status: criteria provided, single submitter. Criteria: Invitae Variant Classification Sherloc (09022015). Collection method: clinical testing. Allele origin: germline.
Comment: This variant, c.506_508dup, results in the insertion of 1 amino acid(s) of the BARD1 protein (p.Ile169dup), but otherwise preserves the integrity of the reading frame. This variant is not present in population databases (gnomAD no frequency). This variant has not been reported in the literature in individuals affected with BARD1-related conditions. In summary, the available evidence is currently insufficient to determine the role of this variant in disease. Therefore, it has been classified as a Variant of Uncertain Significance.